The following is an entry in ClinVar:

ClinVar aggregate classification (germline): Benign/Likely benign. Review status: criteria provided, multiple submitters, no conflicts (2 of 4 stars). 9 submissions from 9 submitters: Benign (1); Likely benign (7). 1 of the submissions does not count toward it. Last evaluated 2026-01-05.

Conditions:
NDUFAF6-related disorder. Also called: NDUFAF6-related condition.
Inborn genetic diseases. Identifiers: MedGen C0950123, MeSH D030342.
Mitochondrial complex I deficiency, nuclear type 17. Also called: Mitochondrial complex 1 deficiency, nuclear type 17. Identifiers: MedGen C4748786, MONDO:0032622, OMIM 618239.
Fanconi renotubular syndrome 5. Also called: FANCONI RENOTUBULAR SYNDROME, ACADIAN VARIANT. Identifiers: MedGen C5394473, MONDO:0030056, OMIM 618913.

Allele frequency attached by ClinVar (database versions not stated): 1000 Genomes Project 0.00060; gnomAD exomes 0.00135 and 0.00341; 1000 Genomes Project 30x 0.00141; TOPMed 0.00174; gnomAD 0.00210 and 0.00211; ExAC 0.00369.
gnomAD v4.1: 4,822 of 1,481,506 alleles (0.33%); highest among the groups gnomAD compares: Non-Finnish European, 0.37%; 12 homozygotes.

Submissions (9):

Labcorp Genetics (formerly Invitae), Labcorp
Classification: Likely benign. Last evaluated: 2026-01-05. Review status: criteria provided, single submitter. Criteria: Invitae Variant Classification Sherloc (09022015). Collection method: clinical testing. Allele origin: germline.

CeGaT Center for Human Genetics Tuebingen
Classification: Likely benign. Last evaluated: 2025-06-01. Review status: criteria provided, single submitter. Criteria: CeGaT Center For Human Genetics Tuebingen Variant Classification Criteria Version 2. Collection method: clinical testing. Allele origin: germline. Affected: yes. Observed: 3 variant alleles.
Comment: NDUFAF6: BS2

Blueprint Genetics
Classification: Likely benign. Last evaluated: 2024-11-25. Review status: criteria provided, single submitter. Criteria: ACMG Guidelines, 2015. Collection method: clinical testing. Allele origin: germline.

Mayo Clinic Laboratories, Mayo Clinic
Classification: Benign. Last evaluated: 2024-05-13. Review status: criteria provided, single submitter. Criteria: ACMG Guidelines, 2015. Collection method: clinical testing. Allele origin: germline. Observed: 7 variant alleles.
Comment: BS1, BS2, BP4

Ambry Genetics
Classification: Likely benign for Inborn genetic diseases. Last evaluated: 2022-05-04. Review status: criteria provided, single submitter. Criteria: Ambry Variant Classification Scheme 2023. Collection method: clinical testing. Allele origin: germline.

Fulgent Genetics
Classification: Likely benign for Mitochondrial complex I deficiency, nuclear type 17; Fanconi renotubular syndrome 5. Last evaluated: 2021-09-10. Review status: criteria provided, single submitter. Criteria: ACMG Guidelines, 2015. Collection method: clinical testing. Allele origin: unknown.

Center for Pediatric Genomic Medicine, Children's Mercy Hospital and Clinics
Classification: Likely benign. Last evaluated: 2017-05-08. Review status: criteria provided, single submitter. Criteria: ACMG Guidelines, 2015. Collection method: clinical testing. Allele origin: germline.

Breakthrough Genomics
Classification: Likely benign. Review status: criteria provided, single submitter. Criteria: ACMG Guidelines, 2015. Collection method: not provided. Allele origin: germline. Inheritance: Autosomal recessive inheritance. Affected: yes.

PreventionGenetics, part of Exact Sciences
Classification: Likely benign for NDUFAF6-related condition. Last evaluated: 2022-08-25. Review status: no assertion criteria provided. Collection method: clinical testing. Allele origin: germline. Not counted in ClinVar's aggregate classification.
Comment: This variant is classified as likely benign based on ACMG/AMP sequence variant interpretation guidelines (Richards et al. 2015 PMID: 25741868, with internal and published modifications).

NM_152416.4(NDUFAF6):c.83G>C (p.Gly28Ala)

Genes: NDUFAF6 (NADH:ubiquinone oxidoreductase complex assembly factor 6; plus strand), LOC113788297 (Sharpr-MPRA regulatory region 2014; plus strand). Cytogenetic location: 8q22.1.
Variant type: single nucleotide variant.
Coding change: c.83G>C on transcript NM_152416.4 (MANE Select); coding-DNA position 83, G replaced by C.
Protein change: p.Gly28Ala; replaces glycine 28 with alanine.
Molecular consequence: missense variant. On other transcripts: 5 prime UTR variant (12), non-coding transcript variant (6), intron variant (7).
Genome position (GRCh38, 1-based): chr8:95,025,091, G>C. VCF-style: chr8-95025091-G-C. GRCh37 (hg19) VCF-style: chr8-96037319-G-C.
Other names: p.Gly28Ala; c.-198G>C (NM_001330582.2, NM_001354521.2); c.-151G>C (NM_001354517.2); c.-370G>C (NM_001354518.2); c.-366G>C (NM_001354519.2); c.-715G>C (NM_001354527.2); c.-686G>C (NM_001354528.2); c.-498G>C (NM_001354529.2); and 9 more; short protein forms G28A.
Identifiers: ClinVar variation 214210 (VCV000214210.58), dbSNP rs201223057, ClinGen allele CA320539.